The following is an entry in ClinVar:

NM_006236.3(POU3F3):c.1358G>A (p.Trp453Ter)

Gene: POU3F3 (POU class 3 homeobox 3; plus strand). Cytogenetic location: 2q12.1.
Variant type: single nucleotide variant.
Coding change: c.1358G>A on transcript NM_006236.3 (MANE Select); coding-DNA position 1358, G replaced by A.
Protein change: p.Trp453Ter; replaces tryptophan 453 with a stop codon.
Molecular consequence: nonsense.
Genome position (GRCh38, 1-based): chr2:104,856,868, G>A. VCF-style: chr2-104856868-G-A. GRCh37 (hg19) VCF-style: chr2-105473326-G-A.
Other names: short protein forms W453*.
Identifiers: ClinVar variation 3027258 (VCV003027258.22), dbSNP rs2466877081, ClinGen allele CA348098784.

ClinVar aggregate classification (germline): Likely pathogenic (1 of 4 stars; one submission).

Submission:

CeGaT Center for Human Genetics Tuebingen
Classification: Likely pathogenic. Last evaluated: 2024-02-01. Review status: criteria provided, single submitter. Criteria: CeGaT Center For Human Genetics Tuebingen Variant Classification Criteria Version 2. Collection method: clinical testing. Allele origin: germline. Affected: yes. Observed: 1 variant allele.
Comment: POU3F3: PM2, PS2:Moderate, PVS1:Moderate